The following is an entry in ClinVar:

ClinVar aggregate classification (germline): Uncertain significance (1 of 4 stars; one submission).

Conditions:
Mucopolysaccharidosis, MPS-IV-B (MPS4B). Also called: Mucopolysaccharidosis type IV B; Mucopolysaccharidosis Type IVB; Mucopolysaccharidosis type IVB (Morquio); MPS IVB; MORQUIO SYNDROME B; Mucopolysaccharidosis Type IVB (Morquio B Disease). Identifiers: Orphanet 309310, Orphanet 582, MedGen C0086652, MONDO:0009660, OMIM 253010.
GM1 gangliosidosis. Identifiers: Orphanet 354, MedGen C0085131, MONDO:0018149.

Allele frequency attached by ClinVar (database versions not stated): gnomAD exomes 0.00001.
gnomAD v4.1: 4 of 1,613,250 alleles (0.00025%); highest among the groups gnomAD compares: Non-Finnish European, 0.00034%; no homozygotes.

Submission:

Labcorp Genetics (formerly Invitae), Labcorp
Classification: Uncertain significance for Mucopolysaccharidosis, MPS-IV-B; GM1 gangliosidosis. Last evaluated: 2022-06-03. Review status: criteria provided, single submitter. Criteria: Invitae Variant Classification Sherloc (09022015). Collection method: clinical testing. Allele origin: germline.
Comment: This sequence change replaces tyrosine, which is neutral and polar, with phenylalanine, which is neutral and non-polar, at codon 374 of the GLB1 protein (p.Tyr374Phe). This variant is not present in population databases (gnomAD no frequency). This variant has not been reported in the literature in individuals affected with GLB1-related conditions. Advanced modeling of protein sequence and biophysical properties (such as structural, functional, and spatial information, amino acid conservation, physicochemical variation, residue mobility, and thermodynamic stability) performed at Invitae indicates that this missense variant is expected to disrupt GLB1 protein function. In summary, the available evidence is currently insufficient to determine the role of this variant in disease. Therefore, it has been classified as a Variant of Uncertain Significance.

NM_000404.4(GLB1):c.1121A>T (p.Tyr374Phe)

Gene: GLB1 (galactosidase beta 1; minus strand). Cytogenetic location: 3p22.3.
Variant type: single nucleotide variant.
Coding change: c.1121A>T on transcript NM_000404.4 (MANE Select); coding-DNA position 1121, A replaced by T.
Protein change: p.Tyr374Phe; replaces tyrosine 374 with phenylalanine.
Molecular consequence: missense variant.
Genome position (GRCh38, 1-based): chr3:33,024,273, T>A on the plus strand (A>T on the coding strand, the complement: GLB1 is on the minus strand). VCF-style: chr3-33024273-T-A. GRCh37 (hg19) VCF-style: chr3-33065765-T-A.
Other names: c.1031A>T, p.Tyr344Phe (NM_001079811.3); c.728A>T, p.Tyr243Phe (NM_001135602.3); c.1265A>T, p.Tyr422Phe (NM_001317040.2); c.1121A>T, p.Tyr374Phe (NM_001393580.1); short protein forms Y243F, Y422F, Y344F, Y374F.
Identifiers: ClinVar variation 2157464 (VCV002157464.1), dbSNP rs2471278937, ClinGen allele CA351995054.